The following is an entry in ClinVar:

NM_001010892.3(RSPH4A):c.479del (p.Leu160fs)

Gene: RSPH4A (radial spoke head component 4A; plus strand). Cytogenetic location: 6q22.1.
Variant type: Deletion.
Coding change: c.479del on transcript NM_001010892.3 (MANE Select); coding-DNA position 479, one base deleted (T; older notation c.479delT).
Protein change: p.Leu160fs; shifts the reading frame from leucine 160.
Molecular consequence: frameshift variant.
Genome position (GRCh38, 1-based): chr6:116,617,102, T deleted. VCF-style (leftmost placement, unchanged base first): chr6-116617101-CT-C. GRCh37 (hg19) VCF-style: chr6-116938264-CT-C.
Other names: c.479del, p.Leu160fs (NM_001161664.2); short protein forms L160fs.
Identifiers: ClinVar variation 1070566 (VCV001070566.7), dbSNP rs2115351492, ClinGen allele CA2499218047.

ClinVar aggregate classification (germline): Pathogenic (1 of 4 stars; one submission).

Conditions:
Primary ciliary dyskinesia. Also called: Ciliary dyskinesia. Identifiers: Orphanet 244, MedGen C0008780, MONDO:0016575, HP:0012265.

Submission:

Labcorp Genetics (formerly Invitae), Labcorp
Classification: Pathogenic for Primary ciliary dyskinesia. Last evaluated: 2022-06-20. Review status: criteria provided, single submitter. Criteria: Invitae Variant Classification Sherloc (09022015). Collection method: clinical testing. Allele origin: germline.
Comment: This sequence change creates a premature translational stop signal (p.Leu160Argfs*7) in the RSPH4A gene. It is expected to result in an absent or disrupted protein product. Loss-of-function variants in RSPH4A are known to be pathogenic (PMID: 19200523). For these reasons, this variant has been classified as Pathogenic. ClinVar contains an entry for this variant (Variation ID: 1070566). This variant has not been reported in the literature in individuals affected with RSPH4A-related conditions. This variant is not present in population databases (gnomAD no frequency).

Literature cited by the submitters: PubMed 19200523.